The following is an entry in ClinVar:

NM_024757.5(EHMT1):c.592G>A (p.Val198Ile)

Gene: EHMT1 (euchromatic histone lysine methyltransferase 1; plus strand). Cytogenetic location: 9q34.3.
Variant type: single nucleotide variant.
Coding change: c.592G>A on transcript NM_024757.5 (MANE Select); coding-DNA position 592, G replaced by A.
Protein change: p.Val198Ile; replaces valine 198 with isoleucine.
Molecular consequence: missense variant.
Genome position (GRCh38, 1-based): chr9:137,717,132, G>A. VCF-style: chr9-137717132-G-A. GRCh37 (hg19) VCF-style: chr9-140611584-G-A.
Other names: c.592G>A, p.Val198Ile (NM_001145527.2, NM_001354263.2, NM_001354611.2); c.499G>A, p.Val167Ile (NM_001354259.2, NM_001354612.2); short protein forms V167I, V198I.
Identifiers: ClinVar variation 931503 (VCV000931503.12), dbSNP rs761554206, ClinGen allele CA5374354.
Genomic context (GRCh38, chr9:137,717,132, plus strand): 5'-ACCCTTGGGGAGGGGAGTGCTGACACAGAGGACAGGAAGCTCCCGGCCCCTGGCGCCGAC[G>A]TCAAGGTCCACAGGGCACGCAAGACCATGCCGAAGTCCGTCGTGGGCCTGGTAATTTTGT-3'
Protein context (NP_079033.4, residues 188-208): DRKLPAPGAD[Val198Ile]KVHRARKTMP

ClinVar aggregate classification (germline): Conflicting classifications of pathogenicity. Review status: criteria provided, conflicting classifications (1 of 4 stars). 3 submissions from 3 submitters: Uncertain significance (2); Benign (1). Last evaluated 2026-01-28.

Conditions:
Kleefstra syndrome 1 (KLEFS1). Identifiers: Orphanet 261494, MedGen C0795833, MONDO:0027407, OMIM 610253.

Allele frequency attached by ClinVar (database versions not stated): gnomAD exomes 0.00001; ExAC 0.00001.
gnomAD v4.1: 19 of 1,612,530 alleles (0.0012%); highest among the groups gnomAD compares: Non-Finnish European, 0.0014%; no homozygotes.

Submissions (3):

Labcorp Genetics (formerly Invitae), Labcorp
Classification: Benign for Kleefstra syndrome 1. Last evaluated: 2026-01-28. Review status: criteria provided, single submitter. Criteria: Invitae Variant Classification Sherloc (09022015). Collection method: clinical testing. Allele origin: germline.

GeneDx
Classification: Uncertain significance. Last evaluated: 2023-07-10. Review status: criteria provided, single submitter. Criteria: GeneDx Variant Classification Process June 2021. Collection method: clinical testing. Allele origin: germline. Affected: yes.
Comment: Not observed at significant frequency in large population cohorts (gnomAD); In silico analysis supports that this missense variant does not alter protein structure/function; Has not been previously published as pathogenic or benign to our knowledge

Centre for Mendelian Genomics, University Medical Centre Ljubljana
Classification: Uncertain significance for Kleefstra syndrome 1. Last evaluated: 2019-09-06. Review status: criteria provided, single submitter. Criteria: ACMG Guidelines, 2015. Collection method: clinical testing. Allele origin: unknown. Affected: yes.
Comment: This variant was classified as: Uncertain significance. The available evidence on this variant's pathogenicity is insufficient or conflicting. The following ACMG criteria were applied in classifying this variant: BP1.